The following is an entry in ClinVar:

ClinVar aggregate classification (germline): Benign. Review status: criteria provided, multiple submitters, no conflicts (2 of 4 stars). 3 submissions from 3 submitters: Benign (3). Last evaluated 2026-08-01.

Allele frequency attached by ClinVar (database versions not stated): 1000 Genomes Project 30x 0.00515; TOPMed 0.00738; ESP Exome Variant Server 0.00976; gnomAD 0.01034 and 0.01063; ExAC 0.01056; 1000 Genomes Project 0.00499; gnomAD exomes 0.01113 and 0.01140.
gnomAD v4.1: 17,960 of 1,597,210 alleles (1.1%); highest among the groups gnomAD compares: Non-Finnish European, 1.2%; 166 homozygotes.

Submissions (3):

CeGaT Center for Human Genetics Tuebingen
Classification: Benign. Last evaluated: 2026-08-01. Review status: criteria provided, single submitter. Criteria: CeGaT Center For Human Genetics Tuebingen Variant Classification Criteria Version 2. Collection method: clinical testing. Allele origin: germline. Affected: yes. Observed: 1 variant allele.
Comment: RPS6KC1: BP4, BS1, BS2

Labcorp Genetics (formerly Invitae), Labcorp
Classification: Benign. Last evaluated: 2026-01-27. Review status: criteria provided, single submitter. Criteria: Invitae Variant Classification Sherloc (09022015). Collection method: clinical testing. Allele origin: germline.

Breakthrough Genomics
Classification: Benign. Review status: criteria provided, single submitter. Criteria: ACMG Guidelines, 2015. Collection method: not provided. Allele origin: germline. Inheritance: Unknown mechanism. Affected: yes.

NM_012424.6(RPS6KC1):c.956C>T (p.Pro319Leu)

Gene: RPS6KC1 (ribosomal protein S6 kinase C1; plus strand). Cytogenetic location: 1q32.3.
Variant type: single nucleotide variant.
Coding change: c.956C>T on transcript NM_012424.6 (MANE Select); coding-DNA position 956, C replaced by T.
Protein change: p.Pro319Leu; replaces proline 319 with leucine.
Molecular consequence: missense variant. On other transcripts: 5 prime UTR variant (12), non-coding transcript variant (4), intron variant (7).
Genome position (GRCh38, 1-based): chr1:213,176,404, C>T. VCF-style: chr1-213176404-C-T. GRCh37 (hg19) VCF-style: chr1-213349747-C-T.
Other names: c.920C>T, p.Pro307Leu (NM_001136138.4); c.-259C>T (NM_001287220.3, NM_001349665.2, NM_001349666.2 and 5 more transcripts); c.413C>T, p.Pro138Leu (NM_001287221.3, NM_001349648.2, NM_001349649.2 and 4 more transcripts); c.593C>T, p.Pro198Leu (NM_001349647.2); c.65C>T, p.Pro22Leu (NM_001349657.2, NM_001349658.2); c.-332C>T (NM_001349659.2); c.-252C>T (NM_001349660.2, NM_001349661.2, NM_001349662.2); c.408+8431C>T (NM_001349654.2, NM_001287219.3, NM_001287218.3); and 2 more; short protein forms P138L, P198L, P22L, P307L, P319L.
Identifiers: ClinVar variation 1568207 (VCV001568207.10), dbSNP rs56369827, ClinGen allele CA1387329.